The following is an entry in ClinVar:

NM_005424.4(TIE1):c.3039delG

Gene: TIE1 (tyrosine kinase with immunoglobulin like and EGF like domains 1; plus strand). Cytogenetic location: 1p34.2.
Variant type: Deletion.
Coding change: c.3039delG on transcript NM_005424.4; coding-DNA position 3039, one base deleted (G).
Genome position (GRCh38, 1-based): chr1:43,319,461, G deleted; the last of 4 consecutive G bases (chr1:43,319,458-43,319,461); deleting any one gives the same sequence. VCF-style (leftmost placement, unchanged base first): chr1-43319457-AG-A. GRCh37 (hg19) VCF-style: chr1-43785128-AG-A.
Identifiers: ClinVar variation 3348409 (VCV003348409.1).

ClinVar aggregate classification (germline): Uncertain significance (0 of 4 stars; one submission).

Conditions:
TIE1-related disorder. Also called: TIE1-related condition.

Submission:

PreventionGenetics, part of Exact Sciences
Classification: Uncertain significance for TIE1-related condition. Last evaluated: 2024-07-23. Review status: no assertion criteria provided. Collection method: clinical testing. Allele origin: germline.
Comment: The TIE1 c.3039delG variant is predicted to result in a frameshift and premature protein termination (p.Arg1014Valfs*12). To our knowledge, this variant has not been reported in the literature or in a large population database, indicating this variant is rare. At this time, the clinical significance of this variant is uncertain due to the absence of conclusive functional and genetic evidence.